The following is an entry in ClinVar:

NM_000540.3(RYR1):c.13898T>A (p.Leu4633Gln)

Gene: RYR1 (ryanodine receptor 1; plus strand). Cytogenetic location: 19q13.2.
Variant type: single nucleotide variant.
Coding change: c.13898T>A on transcript NM_000540.3 (MANE Select); coding-DNA position 13898, T replaced by A.
Protein change: p.Leu4633Gln; replaces leucine 4633 with glutamine.
Molecular consequence: missense variant.
Genome position (GRCh38, 1-based): chr19:38,572,170, T>A. VCF-style: chr19-38572170-T-A. GRCh37 (hg19) VCF-style: chr19-39062810-T-A.
Other names: c.13883T>A, p.Leu4628Gln (NM_001042723.2); short protein forms L4633Q, L4628Q.
Identifiers: ClinVar variation 573342 (VCV000573342.8), dbSNP rs1555801874, ClinGen allele CA405680919.
Genomic context (GRCh38, chr19:38,572,170, plus strand): 5'-GCTTGGGGGCCGGAGAGGAGGCAGAGGGCGATGAGGATGAGAACATGGTGTACTACTTCC[T>A]GGAGGAAAGCACAGGCTACATGGAACCCGCCCTGCGGTGTCTGAGCCTCCTGCATACACT-3'
Protein context (NP_000531.2, residues 4623-4643): DEDENMVYYF[Leu4633Gln]EESTGYMEPA

ClinVar aggregate classification (germline): Likely pathogenic (1 of 4 stars; one submission).

Conditions:
RYR1-related disorder. Also called: RYR1-related disorders; RYR1-related condition. Identifiers: MedGen CN239331.

Submission:

Labcorp Genetics (formerly Invitae), Labcorp
Classification: Likely pathogenic for RYR1-related disorder. Last evaluated: 2023-01-20. Review status: criteria provided, single submitter. Criteria: Invitae Variant Classification Sherloc (09022015). Collection method: clinical testing. Allele origin: germline.
Comment: In summary, the currently available evidence indicates that the variant is pathogenic, but additional data are needed to prove that conclusively. Therefore, this variant has been classified as Likely Pathogenic. This variant disrupts the p.Leu4633 amino acid residue in RYR1. Other variant(s) that disrupt this residue have been determined to be pathogenic (Invitae). This suggests that this residue is clinically significant, and that variants that disrupt this residue are likely to be disease-causing. Algorithms developed to predict the effect of sequence changes on RNA splicing suggest that this variant may create or strengthen a splice site. Advanced modeling of protein sequence and biophysical properties (such as structural, functional, and spatial information, amino acid conservation, physicochemical variation, residue mobility, and thermodynamic stability) performed at Invitae indicates that this missense variant is expected to disrupt RYR1 protein function. ClinVar contains an entry for this variant (Variation ID: 573342). This missense change has been observed in individual(s) with autosomal dominant RYR1-related conditions (Invitae). This variant is not present in population databases (gnomAD no frequency). This sequence change replaces leucine, which is neutral and non-polar, with glutamine, which is neutral and polar, at codon 4633 of the RYR1 protein (p.Leu4633Gln).